The following is an entry in ClinVar:

ClinVar aggregate classification (germline): Likely benign. Review status: criteria provided, multiple submitters, no conflicts (2 of 4 stars). 3 submissions from 3 submitters: Likely benign (3). Last evaluated 2026-01-29.

Conditions:
Familial thoracic aortic aneurysm and aortic dissection (TAAD). Also called: Thoracic aortic aneurysms and dissections. Identifiers: Orphanet 91387, MedGen C4707243, MONDO:0019625.
HYPERHOMOCYSTEINEMIA, THROMBOTIC, CBS-RELATED. Identifiers: MedGen C3150344, OMIM 236200.

Allele frequency attached by ClinVar (database versions not stated): gnomAD exomes 0.00002; ExAC 0.00003.

Submissions (3):

Labcorp Genetics (formerly Invitae), Labcorp
Classification: Likely benign for HYPERHOMOCYSTEINEMIA, THROMBOTIC, CBS-RELATED. Last evaluated: 2026-01-29. Review status: criteria provided, single submitter. Criteria: Invitae Variant Classification Sherloc (09022015). Collection method: clinical testing. Allele origin: germline.

CeGaT Center for Human Genetics Tuebingen
Classification: Likely benign. Last evaluated: 2023-03-01. Review status: criteria provided, single submitter. Criteria: CeGaT Center For Human Genetics Tuebingen Variant Classification Criteria Version 2. Collection method: clinical testing. Allele origin: germline. Affected: yes. Observed: 1 variant allele.
Comment: CBS: BP4, BP7

Ambry Genetics
Classification: Likely benign for Familial thoracic aortic aneurysm and aortic dissection. Last evaluated: 2021-08-22. Review status: criteria provided, single submitter. Criteria: Ambry Variant Classification Scheme 2023. Collection method: clinical testing. Allele origin: germline.

NM_000071.3(CBS):c.1251G>A (p.Leu417=)

Gene: CBS (cystathionine beta-synthase; minus strand). Cytogenetic location: 21q22.3.
Variant type: single nucleotide variant.
Coding change: c.1251G>A on transcript NM_000071.3 (MANE Select); coding-DNA position 1251, G replaced by A.
Protein change: p.Leu417=; no amino-acid change (leucine 417 retained).
Molecular consequence: synonymous variant.
Genome position (GRCh38, 1-based): chr21:43,058,941, C>T on the plus strand (G>A on the coding strand, the complement: CBS is on the minus strand). VCF-style: chr21-43058941-C-T. GRCh37 (hg19) VCF-style: chr21-44479051-C-T.
Other names: c.1251G>A, p.Leu417= (NM_001178008.3, NM_001178009.3, NM_001320298.2); c.936G>A, p.Leu312= (NM_001321072.1).
Identifiers: ClinVar variation 703955 (VCV000703955.37), dbSNP rs764079534, ClinGen allele CA321688080.